The following is an entry in ClinVar:

NM_001298.3(CNGA3):c.1223C>T (p.Ala408Val)

Gene: CNGA3 (cyclic nucleotide gated channel subunit alpha 3; plus strand). Cytogenetic location: 2q11.2.
Variant type: single nucleotide variant.
Coding change: c.1223C>T on transcript NM_001298.3 (MANE Select); coding-DNA position 1223, C replaced by T.
Protein change: p.Ala408Val; replaces alanine 408 with valine.
Molecular consequence: missense variant.
Genome position (GRCh38, 1-based): chr2:98,396,393, C>T. VCF-style: chr2-98396393-C-T. GRCh37 (hg19) VCF-style: chr2-99012856-C-T.
Other names: c.1169C>T, p.Ala390Val (NM_001079878.2); short protein forms A390V, A408V.
Identifiers: ClinVar variation 933589 (VCV000933589.9), dbSNP rs1692913716, ClinGen allele CA347833093.
Genomic context (GRCh38, chr2:98,396,393, plus strand): 5'-GTGTTCTGATTTTTGCCACCATTGTGGGCAATGTGGGCTCCATGATCTCGAATATGAATG[C>T]CTCACGGGCAGAGTTCCAGGCCAAGATTGATTCCATCAAGCAGTACATGCAGTTCCGCAA-3'
Protein context (NP_001289.1, residues 398-418): NVGSMISNMN[Ala408Val]SRAEFQAKID

ClinVar aggregate classification (germline): Uncertain significance (1 of 4 stars; one submission).

Allele frequency attached by ClinVar (database versions not stated): gnomAD exomes below 0.00001.
gnomAD v4.1: 3 of 1,613,928 alleles (0.00019%); highest among the groups gnomAD compares: Non-Finnish European, 0.00025%; no homozygotes.

Submission:

Labcorp Genetics (formerly Invitae), Labcorp
Classification: Uncertain significance. Last evaluated: 2019-07-04. Review status: criteria provided, single submitter. Criteria: Invitae Variant Classification Sherloc (09022015). Collection method: clinical testing. Allele origin: germline.
Comment: In summary, the available evidence is currently insufficient to determine the role of this variant in disease. Therefore, it has been classified as a Variant of Uncertain Significance. Algorithms developed to predict the effect of missense changes on protein structure and function are either unavailable or do not agree on the potential impact of this missense change (SIFT: "Tolerated"; PolyPhen-2: "Possibly Damaging"; Align-GVGD: "Class C0"). This variant has not been reported in the literature in individuals with CNGA3-related conditions. This variant is not present in population databases (ExAC no frequency). This sequence change replaces alanine with valine at codon 408 of the CNGA3 protein (p.Ala408Val). The alanine residue is highly conserved and there is a small physicochemical difference between alanine and valine.